The following is an entry in ClinVar:

NM_000292.3(PHKA2):c.1724G>A (p.Gly575Asp)

Gene: PHKA2 (phosphorylase kinase regulatory subunit alpha 2; minus strand). Cytogenetic location: Xp22.13.
Variant type: single nucleotide variant.
Coding change: c.1724G>A on transcript NM_000292.3 (MANE Select); coding-DNA position 1724, G replaced by A.
Protein change: p.Gly575Asp; replaces glycine 575 with aspartic acid.
Molecular consequence: missense variant.
Genome position (GRCh38, 1-based): chrX:18,924,125, C>T on the plus strand (G>A on the coding strand, the complement: PHKA2 is on the minus strand). VCF-style: chrX-18924125-C-T. GRCh37 (hg19) VCF-style: chrX-18942243-C-T.
Other names: short protein forms G575D.
Identifiers: ClinVar variation 851304 (VCV000851304.31), dbSNP rs757718008, ClinGen allele CA10361802.

ClinVar aggregate classification (germline): Conflicting classifications of pathogenicity. Review status: criteria provided, conflicting classifications (1 of 4 stars). 3 submissions from 3 submitters: Uncertain significance (1); Likely benign (2). Last evaluated 2025-11-13.

Conditions:
Glycogen storage disease IXa1. Also called: GLYCOGEN STORAGE DISEASE VIII; GSD VIII; Glycogen storage disease 8; LIVER GLYCOGENOSIS, X-LINKED, TYPE I. Identifiers: Orphanet 264580, MedGen C3694531, MONDO:0010598, OMIM 306000.
Inborn genetic diseases. Identifiers: MedGen C0950123, MeSH D030342.

Allele frequency attached by ClinVar (database versions not stated): gnomAD 0.00002; TOPMed 0.00003; gnomAD exomes 0.00006 and 0.00013; ExAC 0.00022.
gnomAD v4.1: 69 of 1,199,497 alleles (0.0058%); highest among the groups gnomAD compares: Middle Eastern, 0.023%; 1 homozygote.

Submissions (3):

Ambry Genetics
Classification: Likely benign for Inborn genetic diseases. Last evaluated: 2025-11-13. Review status: criteria provided, single submitter. Criteria: Ambry Variant Classification Scheme 2023. Collection method: clinical testing. Allele origin: germline.

Labcorp Genetics (formerly Invitae), Labcorp
Classification: Uncertain significance for Glycogen storage disease IXa1. Last evaluated: 2025-04-21. Review status: criteria provided, single submitter. Criteria: Invitae Variant Classification Sherloc (09022015). Collection method: clinical testing. Allele origin: germline.
Comment: This sequence change replaces glycine, which is neutral and non-polar, with aspartic acid, which is acidic and polar, at codon 575 of the PHKA2 protein (p.Gly575Asp). This variant is present in population databases (rs757718008, gnomAD 0.02%), and has an allele count higher than expected for a pathogenic variant. This variant has not been reported in the literature in individuals affected with PHKA2-related conditions. ClinVar contains an entry for this variant (Variation ID: 851304). Invitae Evidence Modeling of protein sequence and biophysical properties (such as structural, functional, and spatial information, amino acid conservation, physicochemical variation, residue mobility, and thermodynamic stability) indicates that this missense variant is not expected to disrupt PHKA2 protein function with a negative predictive value of 80%. In summary, the available evidence is currently insufficient to determine the role of this variant in disease. Therefore, it has been classified as a Variant of Uncertain Significance.

CeGaT Center for Human Genetics Tuebingen
Classification: Likely benign. Last evaluated: 2023-05-01. Review status: criteria provided, single submitter. Criteria: CeGaT Center For Human Genetics Tuebingen Variant Classification Criteria Version 2. Collection method: clinical testing. Allele origin: germline. Affected: yes. Observed: 1 variant allele.
Comment: PHKA2: BS2